The following is an entry in ClinVar:

NM_001365276.2(TNXB):c.6329C>T (p.Ser2110Leu)

Gene: TNXB (tenascin XB; minus strand). Cytogenetic location: 6p21.33.
Variant type: single nucleotide variant.
Coding change: c.6329C>T on transcript NM_001365276.2 (MANE Select); coding-DNA position 6329, C replaced by T.
Protein change: p.Ser2110Leu; replaces serine 2110 with leucine.
Molecular consequence: missense variant.
Genome position (GRCh38, 1-based): chr6:32,067,876, G>A on the plus strand (C>T on the coding strand, the complement: TNXB is on the minus strand). VCF-style: chr6-32067876-G-A. GRCh37 (hg19) VCF-style: chr6-32035653-G-A.
Other names: c.6329C>T, p.Ser2110Leu (NM_019105.8); short protein forms S2110L.
Identifiers: ClinVar variation 1752878 (VCV001752878.3), dbSNP rs768919542, ClinGen allele CA3734463.
Genomic context (GRCh38, chr6:32,067,876, plus strand): 5'-TTGTACTGCACGGTGAAGGAGTCGAAGCGGCCCTGGGGGACGGTCCAGGAGAGGCTCAGC[G>A]AGTCAGGGGAGGATCCTGTCACTGTTAGCTCCCCCAGGAGCGGCTCCTCAGCGGGCTCCG-3'
Protein context (NP_001352205.1, residues 2100-2120): ELTVTGSSPD[Ser2110Leu]LSLSWTVPQG

ClinVar aggregate classification (germline): Uncertain significance (1 of 4 stars; one submission).

Conditions:
Cardiovascular phenotype. Identifiers: MedGen CN230736.

Allele frequency attached by ClinVar (database versions not stated): TOPMed 0.00002; gnomAD exomes 0.00002; ExAC 0.00003; gnomAD 0.00003.
gnomAD v4.1: 33 of 1,612,782 alleles (0.002%); highest among the groups gnomAD compares: South Asian, 0.011%; no homozygotes.

Submission:

Ambry Genetics
Classification: Uncertain significance for Cardiovascular phenotype. Last evaluated: 2025-05-18. Review status: criteria provided, single submitter. Criteria: Ambry Variant Classification Scheme 2023. Collection method: clinical testing. Allele origin: germline.
Comment: The p.S2110L variant (also known as c.6329C>T), located in coding exon 17 of the TNXB gene, results from a C to T substitution at nucleotide position 6329. The serine at codon 2110 is replaced by leucine, an amino acid with dissimilar properties. This amino acid position is conserved. In addition, the in silico prediction for this alteration is inconclusive. Since supporting evidence is limited at this time, the clinical significance of this alteration remains unclear.